The following is an entry in ClinVar:

NM_024675.4(PALB2):c.1554A>T (p.Ser518=)

Gene: PALB2 (partner and localizer of BRCA2; minus strand). Cytogenetic location: 16p12.2.
Variant type: single nucleotide variant.
Coding change: c.1554A>T on transcript NM_024675.4 (MANE Select); coding-DNA position 1554, A replaced by T.
Protein change: p.Ser518=; no amino-acid change (serine 518 retained).
Molecular consequence: synonymous variant. On other transcripts: intron variant (3).
Genome position (GRCh38, 1-based): chr16:23,634,992, T>A on the plus strand (A>T on the coding strand, the complement: PALB2 is on the minus strand). VCF-style: chr16-23634992-T-A. GRCh37 (hg19) VCF-style: chr16-23646313-T-A.
Other names: c.1494A>T, p.Ser498= (NM_001407296.1); c.1554A>T, p.Ser518= (NM_001407297.1, NM_001407298.1, NM_001407299.1 and 3 more transcripts); c.669A>T, p.Ser223= (NM_001407304.1, NM_001407305.1, NM_001407306.1 and 5 more transcripts); c.49-5717A>T (NM_001407314.1); c.-104-4523A>T (NM_001407313.1, NM_001407312.1).
Identifiers: ClinVar variation 3904283 (VCV003904283.1).

ClinVar aggregate classification (germline): Benign (1 of 4 stars; one submission).

Conditions:
Familial cancer of breast. Also called: Hereditary breast cancer; hereditary breast carcinoma; BREAST CANCER, FAMILIAL. Identifiers: Orphanet 227535, MedGen C0346153, MONDO:0016419, OMIM 114480. Disease mechanism: loss of function.

Submission:

Myriad Genetics, Inc.
Classification: Benign for Familial cancer of breast. Last evaluated: 2025-01-14. Review status: criteria provided, single submitter. Criteria: Myriad Autosomal Dominant, Autosomal Recessive and X-Linked Classification Criteria (2023). Collection method: clinical testing. Allele origin: unknown.
Comment: This variant is considered benign. This variant is a silent/synonymous amino acid change and it is not expected to impact splicing.